The following is an entry in ClinVar:

ClinVar aggregate classification (germline): Uncertain significance (1 of 4 stars; one submission).

Allele frequency attached by ClinVar (database versions not stated): ESP Exome Variant Server 0.00008; ExAC 0.00016; gnomAD exomes 0.00017; gnomAD 0.00039 and 0.00042; TOPMed 0.00046; 1000 Genomes Project 30x 0.00094; 1000 Genomes Project 0.00120.
gnomAD v4.1: 336 of 1,614,040 alleles (0.021%); highest among the groups gnomAD compares: African/African-American, 0.16%; no homozygotes.

Submission:

Labcorp Genetics (formerly Invitae), Labcorp
Classification: Uncertain significance. Last evaluated: 2024-12-09. Review status: criteria provided, single submitter. Criteria: Invitae Variant Classification Sherloc (09022015). Collection method: clinical testing. Allele origin: germline.
Comment: This sequence change replaces arginine, which is basic and polar, with cysteine, which is neutral and slightly polar, at codon 338 of the C8B protein (p.Arg338Cys). This variant is present in population databases (rs141136423, gnomAD 0.1%). This variant has not been reported in the literature in individuals affected with C8B-related conditions. ClinVar contains an entry for this variant (Variation ID: 1025731). An algorithm developed to predict the effect of missense changes on protein structure and function (PolyPhen-2) suggests that this variant is likely to be disruptive. In summary, the available evidence is currently insufficient to determine the role of this variant in disease. Therefore, it has been classified as a Variant of Uncertain Significance.

NM_000066.4(C8B):c.1012C>T (p.Arg338Cys)

Gene: C8B (complement C8 beta chain; minus strand). Cytogenetic location: 1p32.2.
Variant type: single nucleotide variant.
Coding change: c.1012C>T on transcript NM_000066.4 (MANE Select); coding-DNA position 1012, C replaced by T.
Protein change: p.Arg338Cys; replaces arginine 338 with cysteine.
Molecular consequence: missense variant.
Genome position (GRCh38, 1-based): chr1:56,945,914, G>A on the plus strand (C>T on the coding strand, the complement: C8B is on the minus strand). VCF-style: chr1-56945914-G-A. GRCh37 (hg19) VCF-style: chr1-57411587-G-A.
Other names: c.856C>T, p.Arg286Cys (NM_001278543.2); c.826C>T, p.Arg276Cys (NM_001278544.2); short protein forms R276C, R286C, R338C.
Identifiers: ClinVar variation 1025731 (VCV001025731.5), dbSNP rs141136423, ClinGen allele CA875784.